The following is an entry in ClinVar:

NM_001378615.1(CC2D2A):c.4599G>A (p.Leu1533=)

Genes: CC2D2A (coiled-coil and C2 domain containing 2A; plus strand), FBXL5 (F-box and leucine rich repeat protein 5; minus strand). Cytogenetic location: 4p15.32.
Variant type: single nucleotide variant.
Coding change: c.4599G>A on transcript NM_001378615.1 (MANE Select); coding-DNA position 4599, G replaced by A.
Protein change: p.Leu1533=; no amino-acid change (leucine 1533 retained).
Molecular consequence: synonymous variant.
Genome position (GRCh38, 1-based): chr4:15,599,631, G>A. VCF-style: chr4-15599631-G-A. GRCh37 (hg19) VCF-style: chr4-15601254-G-A.
Other names: c.4599G>A, p.Leu1533= (NM_001080522.2); c.4452G>A, p.Leu1484= (NM_001378617.1).
Identifiers: ClinVar variation 1095607 (VCV001095607.11), dbSNP rs556117615, ClinGen allele CA438391207.
Genomic context (GRCh38, chr4:15,599,631, plus strand): 5'-ACGCCATCTGACTCGGTGGAATAGGTATTGTACCTCTACTCTGCGTCACTTCTTGCCTCT[G>A]TTAGAAAAAAGTCAAGGAGAAGATGTAGAAGATGACCACAGAGCAGAACTGCTAAAACAG-3'
Protein context (NP_001365544.1, residues 1523-1543): CTSTLRHFLP[Leu1533=]LEKSQGEDVE

ClinVar aggregate classification (germline): Likely benign. Review status: criteria provided, single submitter (1 of 4 stars). 2 submissions from 2 submitters: Likely benign (1). 1 of the submissions does not count toward it. Last evaluated 2026-01-12.

Conditions:
CC2D2A-related disorder. Also called: CC2D2A-related disorders; CC2D2A-related condition. Identifiers: MedGen CN239313.
Joubert syndrome. Also called: JOUBERT-BOLTSHAUSER SYNDROME; Familial aplasia of the vermis. Identifiers: Orphanet 475, MedGen C5979921, MONDO:0018772.
Meckel-Gruber syndrome. Also called: DYSENCEPHALIA SPLANCHNOCYSTICA; GRUBER SYNDROME; Dysencephalia splachnocystica. Identifiers: Orphanet 564, MedGen C0265215, MONDO:0018921.

Allele frequency attached by ClinVar (database versions not stated): gnomAD 0.00001; gnomAD exomes 0.00001; TOPMed 0.00002.
gnomAD v4.1: 20 of 1,613,508 alleles (0.0012%); highest among the groups gnomAD compares: East Asian, 0.0045%; no homozygotes.

Submissions (2):

Labcorp Genetics (formerly Invitae), Labcorp
Classification: Likely benign for Joubert syndrome; Meckel-Gruber syndrome. Last evaluated: 2026-01-12. Review status: criteria provided, single submitter. Criteria: Invitae Variant Classification Sherloc (09022015). Collection method: clinical testing. Allele origin: germline.

PreventionGenetics, part of Exact Sciences
Classification: Likely benign for CC2D2A-related condition. Last evaluated: 2022-11-14. Review status: no assertion criteria provided. Collection method: clinical testing. Allele origin: germline. Not counted in ClinVar's aggregate classification.
Comment: This variant is classified as likely benign based on ACMG/AMP sequence variant interpretation guidelines (Richards et al. 2015 PMID: 25741868, with internal and published modifications).